The following is an entry in ClinVar:

NM_000264.5(PTCH1):c.4031C>T (p.Ala1344Val)

Gene: PTCH1 (patched 1; minus strand). Cytogenetic location: 9q22.32.
Variant type: single nucleotide variant.
Coding change: c.4031C>T on transcript NM_000264.5 (MANE Select); coding-DNA position 4031, C replaced by T.
Protein change: p.Ala1344Val; replaces alanine 1344 with valine.
Molecular consequence: missense variant. On other transcripts: non-coding transcript variant (1).
Genome position (GRCh38, 1-based): chr9:95,447,225, G>A on the plus strand (C>T on the coding strand, the complement: PTCH1 is on the minus strand). VCF-style: chr9-95447225-G-A. GRCh37 (hg19) VCF-style: chr9-98209507-G-A.
Other names: c.3578C>T, p.Ala1193Val (NM_001083605.3, NM_001083606.3, NM_001083607.3 and 1 more transcripts); c.3875C>T, p.Ala1292Val (NM_001354918.2); c.3833C>T, p.Ala1278Val (NM_001083602.3); c.4028C>T, p.Ala1343Val (NM_001083603.3); short protein forms A1344V, A1278V, A1193V, A1292V, A1343V.
Identifiers: ClinVar variation 409186 (VCV000409186.13), dbSNP rs1060502289, ClinGen allele CA16612818.
Genomic context (GRCh38, chr9:95,447,225, plus strand): 5'-TAGCCGGGCACGGAGCTGCCCATGGCAGTGGACGCTGGGTTCCGAGGGTTGTGAGAACGG[G>A]CCCCGCGAGGGCCCCAGCGGGCCCTATTGCTAGGGCCAGAATGCCCTTCAGTAGAAATTT-3'
Protein context (NP_000255.2, residues 1334-1354): SNRARWGPRG[Ala1344Val]RSHNPRNPAS

ClinVar aggregate classification (germline): Uncertain significance. Review status: criteria provided, multiple submitters, no conflicts (2 of 4 stars). 2 submissions from 2 submitters: Uncertain significance (2). Last evaluated 2025-11-11.

Conditions:
Gorlin syndrome. Also called: Nevoid Basal Cell Carcinoma Syndrome; Basal cell nevus syndrome. Identifiers: Orphanet 377, MedGen C0004779, MONDO:0007187.
Hereditary cancer-predisposing syndrome. Also called: Hereditary neoplastic syndrome; Neoplastic Syndromes, Hereditary; Tumor predisposition; Hereditary Cancer Syndrome. Identifiers: Orphanet 140162, MedGen C0027672, MeSH D009386, MONDO:0015356.

Allele frequency attached by ClinVar (database versions not stated): gnomAD exomes below 0.00001.
gnomAD v4.1: 1 of 1,611,570 alleles (0.000062%); highest among the groups gnomAD compares: Non-Finnish European, 0.000085%; no homozygotes.

Submissions (2):

Ambry Genetics
Classification: Uncertain significance for Hereditary cancer-predisposing syndrome. Last evaluated: 2025-11-11. Review status: criteria provided, single submitter. Criteria: Ambry Variant Classification Scheme 2023. Collection method: clinical testing. Allele origin: germline.
Comment: The p.A1344V variant (also known as c.4031C>T), located in coding exon 23 of the PTCH1 gene, results from a C to T substitution at nucleotide position 4031. The alanine at codon 1344 is replaced by valine, an amino acid with similar properties. This amino acid position is conserved. In addition, this alteration is predicted to be tolerated by in silico analysis. Based on the available evidence, the clinical significance of this variant remains unclear.

Labcorp Genetics (formerly Invitae), Labcorp
Classification: Uncertain significance for Gorlin syndrome. Last evaluated: 2023-06-25. Review status: criteria provided, single submitter. Criteria: Invitae Variant Classification Sherloc (09022015). Collection method: clinical testing. Allele origin: germline.
Comment: This sequence change replaces alanine, which is neutral and non-polar, with valine, which is neutral and non-polar, at codon 1344 of the PTCH1 protein (p.Ala1344Val). This variant is not present in population databases (gnomAD no frequency). This variant has not been reported in the literature in individuals affected with PTCH1-related conditions. ClinVar contains an entry for this variant (Variation ID: 409186). Advanced modeling of protein sequence and biophysical properties (such as structural, functional, and spatial information, amino acid conservation, physicochemical variation, residue mobility, and thermodynamic stability) performed at Invitae indicates that this missense variant is not expected to disrupt PTCH1 protein function. In summary, the available evidence is currently insufficient to determine the role of this variant in disease. Therefore, it has been classified as a Variant of Uncertain Significance.